The following is an entry in ClinVar:

ClinVar aggregate classification (germline): Uncertain significance (1 of 4 stars; one submission).

Submission:

GeneDx
Classification: Uncertain significance. Last evaluated: 2025-03-02. Review status: criteria provided, single submitter. Criteria: GeneDx Variant Classification Process June 2021. Collection method: clinical testing. Allele origin: germline. Affected: yes.
Comment: Not observed at significant frequency in large population cohorts (gnomAD); In silico analysis supports that this missense variant has a deleterious effect on protein structure/function; Has not been previously published as pathogenic or benign to our knowledge

NM_181332.3(NLGN4X):c.2272C>T (p.Pro758Ser)

Gene: NLGN4X (neuroligin 4 X-linked; minus strand). Cytogenetic location: Xp22.32.
Variant type: single nucleotide variant.
Coding change: c.2272C>T on transcript NM_181332.3 (MANE Select); coding-DNA position 2272, C replaced by T.
Protein change: p.Pro758Ser; replaces proline 758 with serine.
Molecular consequence: missense variant.
Genome position (GRCh38, 1-based): chrX:5,892,996, G>A on the plus strand (C>T on the coding strand, the complement: NLGN4X is on the minus strand). VCF-style: chrX-5892996-G-A. GRCh37 (hg19) VCF-style: chrX-5811037-G-A.
Other names: c.2272C>T, p.Pro758Ser (NM_020742.4, NM_001282145.2, NM_001282146.2 and 4 more transcripts); short protein forms P758S.
Identifiers: ClinVar variation 4082705 (VCV004082705.1).
Genomic context (GRCh38, chrX:5,892,996, plus strand): 5'-TGTTTGGCGTCATAAGTGGGATGTCATCTGGCGACCGGCGCAGCGTGAGGGTGTAGTCTG[G>A]CGGGCAGGTGAGCCTCAGTGTGTCGTGTGCCTGCAGCGACTCACACTCGTGATCGTGTTC-3'
Protein context (NP_851849.1, residues 748-768): AHDTLRLTCP[Pro758Ser]DYTLTLRRSP